The following is an entry in ClinVar:

NM_000271.5(NPC1):c.3391A>G (p.Ile1131Val)

Gene: NPC1 (NPC intracellular cholesterol transporter 1; minus strand). Cytogenetic location: 18q11.2.
Variant type: single nucleotide variant.
Coding change: c.3391A>G on transcript NM_000271.5 (MANE Select); coding-DNA position 3391, A replaced by G.
Protein change: p.Ile1131Val; replaces isoleucine 1131 with valine.
Molecular consequence: missense variant.
Genome position (GRCh38, 1-based): chr18:23,535,555, T>C on the plus strand (A>G on the coding strand, the complement: NPC1 is on the minus strand). VCF-style: chr18-23535555-T-C. GRCh37 (hg19) VCF-style: chr18-21115519-T-C.
Other names: short protein forms I1131V.
Identifiers: ClinVar variation 1385885 (VCV001385885.6), dbSNP rs1462436957, ClinGen allele CA401791306.

ClinVar aggregate classification (germline): Uncertain significance (1 of 4 stars; one submission).

Conditions:
Niemann-Pick disease, type C1. Also called: NIEMANN-PICK DISEASE, VARIANT TYPE C1; NEUROVISCERAL STORAGE DISEASE WITH VERTICAL SUPRANUCLEAR OPHTHALMOPLEGIA; NIEMANN-PICK DISEASE WITH CHOLESTEROL ESTERIFICATION BLOCK; NIEMANN-PICK DISEASE WITHOUT SPHINGOMYELINASE DEFICIENCY; NIEMANN-PICK DISEASE, CHRONIC NEURONOPATHIC FORM. Identifiers: Orphanet 646, MedGen C3179455, MONDO:0009757, OMIM 257220.

Allele frequency attached by ClinVar (database versions not stated): gnomAD exomes below 0.00001; TOPMed below 0.00001; gnomAD 0.00001.
gnomAD v4.1: 2 of 1,614,018 alleles (0.00012%); highest among the groups gnomAD compares: Non-Finnish European, 0.00017%; no homozygotes.

Submission:

Labcorp Genetics (formerly Invitae), Labcorp
Classification: Uncertain significance for Niemann-Pick disease, type C1. Last evaluated: 2021-10-17. Review status: criteria provided, single submitter. Criteria: Invitae Variant Classification Sherloc (09022015). Collection method: clinical testing. Allele origin: germline.
Comment: This sequence change replaces isoleucine with valine at codon 1131 of the NPC1 protein (p.Ile1131Val). The isoleucine residue is moderately conserved and there is a small physicochemical difference between isoleucine and valine. This variant is not present in population databases (ExAC no frequency). This variant has not been reported in the literature in individuals affected with NPC1-related conditions. Algorithms developed to predict the effect of missense changes on protein structure and function (SIFT, PolyPhen-2, Align-GVGD) all suggest that this variant is likely to be tolerated. In summary, the available evidence is currently insufficient to determine the role of this variant in disease. Therefore, it has been classified as a Variant of Uncertain Significance.